The following is an entry in ClinVar:

ClinVar aggregate classification (germline): Pathogenic (1 of 4 stars; one submission).

Conditions:
Junctional epidermolysis bullosa. Identifiers: Orphanet 305, MedGen C0079301, MONDO:0017612.

Submission:

Myriad Genetics, Inc.
Classification: Pathogenic for Junctional epidermolysis bullosa. Last evaluated: 2023-09-27. Review status: criteria provided, single submitter. Criteria: Myriad Autosomal Dominant, Autosomal Recessive and X-Linked Classification Criteria (2023). Collection method: clinical testing. Allele origin: unknown.
Comment: NM_000228.2(LAMB3):c.1247dupG(F417Lfs*16) is expected to be pathogenic in the context of junctional epidermolysis bullosa, LAMB3-related. This variant is predicted to lead to an abnormal or absent protein product due to the creation of a premature termination codon in LAMB3, a gene where loss-of-function variants are known to be pathogenic. Please note: this variant was assessed in the context of healthy population screening.

NM_000228.3(LAMB3):c.1247dup (p.Phe417fs)

Gene: LAMB3 (laminin subunit beta 3; minus strand). Cytogenetic location: 1q32.2.
Variant type: Duplication.
Coding change: c.1247dup on transcript NM_000228.3 (MANE Select); coding-DNA position 1247, one base duplicated (G; older notation c.1247dupG).
Protein change: p.Phe417fs; shifts the reading frame from phenylalanine 417.
Molecular consequence: frameshift variant.
Genome position (GRCh38, 1-based): chr1:209,628,076, C duplicated on the plus strand (G on the coding strand, the reverse complement: LAMB3 is on the minus strand); the first of 3 consecutive C bases (chr1:209,628,076-209,628,078); duplicating any one gives the same sequence. VCF-style (leftmost placement, unchanged base first): chr1-209628075-G-GC. GRCh37 (hg19) VCF-style: chr1-209801420-G-GC.
Other names: c.1247dup, p.Phe417fs (NM_001017402.2, NM_001127641.1); short protein forms F417fs.
Identifiers: ClinVar variation 5012175 (VCV005012175.1).